The following is an entry in ClinVar:

NM_001394998.1(TANC2):c.1575+4C>T

Gene: TANC2 (tetratricopeptide repeat, ankyrin repeat and coiled-coil containing 2; plus strand). Cytogenetic location: 17q23.3.
Variant type: single nucleotide variant.
Coding change: c.1575+4C>T on transcript NM_001394998.1 (MANE Select); 4 bases into the intron after coding-DNA position 1575, C replaced by T.
Molecular consequence: intron variant.
Genome position (GRCh38, 1-based): chr17:63,319,094, C>T. VCF-style: chr17-63319094-C-T. GRCh37 (hg19) VCF-style: chr17-61396455-C-T.
Other names: c.1353+4C>T (NM_025185.4).
Identifiers: ClinVar variation 2231607 (VCV002231607.2), dbSNP rs976070867, ClinGen allele CA293390831.

ClinVar aggregate classification (germline): Uncertain significance (1 of 4 stars; one submission).

Conditions:
Inborn genetic diseases. Identifiers: MedGen C0950123, MeSH D030342.

Allele frequency attached by ClinVar (database versions not stated): gnomAD 0.00001; TOPMed 0.00001.
gnomAD v4.1: 1 of 1,609,808 alleles (0.000062%); highest among the groups gnomAD compares: African/African-American, 0.0013%; no homozygotes.

Submission:

Ambry Genetics
Classification: Uncertain significance for Inborn genetic diseases. Last evaluated: 2021-06-03. Review status: criteria provided, single submitter. Criteria: Ambry Variant Classification Scheme 2023. Collection method: clinical testing. Allele origin: germline.
Comment: The c.1353+4C>T intronic alteration consists of a C to T substitution 4 nucleotides after exon 9 of the TANC2 gene. Based on insufficient or conflicting evidence, the clinical significance of this alteration remains unclear.